The following is an entry in ClinVar:

NM_000186.4(CFH):c.328G>T (p.Ala110Ser)

Gene: CFH (complement factor H; plus strand). Cytogenetic location: 1q31.3.
Variant type: single nucleotide variant.
Coding change: c.328G>T on transcript NM_000186.4 (MANE Select); coding-DNA position 328, G replaced by T.
Protein change: p.Ala110Ser; replaces alanine 110 with serine.
Molecular consequence: missense variant.
Genome position (GRCh38, 1-based): chr1:196,673,940, G>T. VCF-style: chr1-196673940-G-T. GRCh37 (hg19) VCF-style: chr1-196643070-G-T.
Other names: c.328G>T, p.Ala110Ser (NM_001014975.3); short protein forms A110S.
Identifiers: ClinVar variation 4291633 (VCV004291633.2).
Genomic context (GRCh38, chr1:196,673,940, plus strand): 5'-GATACTCCTTTTGGTACTTTTACCCTTACAGGAGGAAATGTGTTTGAATATGGTGTAAAA[G>T]CTGTGTATACATGTAATGAGGGGTATGTAGTCCATACGAAAAGAGGTTTATAATTAAGAT-3'
Protein context (NP_000177.2, residues 100-120): GGNVFEYGVK[Ala110Ser]VYTCNEGYQL

ClinVar aggregate classification (germline): Uncertain significance (1 of 4 stars; one submission).

Conditions:
Factor H deficiency (CFHD). Also called: COMPLEMENT FACTOR H DEFICIENCY; CFH DEFICIENCY. Identifiers: Orphanet 200421, MedGen C0398777, MONDO:0012350, OMIM 609814.

Submission:

Genomenon, Inc
Classification: Uncertain significance for Factor H deficiency. Last evaluated: 2026-09-17. Review status: criteria provided, single submitter. Criteria: Genomenon Sequence Variant Interpretation Standards - Updated. Collection method: curation. Allele origin: germline. Affected: yes.
Comment: CFH p.Ala110Ser (c.328G>T) is a missense variant that changes the amino acid at codon 110 from alanine to serine. This variant has been observed in at least one proband affected with complement factor H deficiency (PMID: 28941939). Functional studies have been reported (PMID: 28941939). It is absent or not present at a significant frequency in gnomAD. In silico models predict that this variant is not damaging. In conclusion, we classify CFH p.Ala110Ser (c.328G>T) as a variant of uncertain significance.

Literature cited by the submitters: PubMed 28941939.